The following is an entry in ClinVar:

ClinVar aggregate classification (germline): Uncertain significance (1 of 4 stars; one submission).

gnomAD v4.1: 2 of 1,612,426 alleles (0.00012%); highest among the groups gnomAD compares: South Asian, 0.0011%; no homozygotes.

Submission:

Labcorp Genetics (formerly Invitae), Labcorp
Classification: Uncertain significance. Last evaluated: 2021-10-29. Review status: criteria provided, single submitter. Criteria: Invitae Variant Classification Sherloc (09022015). Collection method: clinical testing. Allele origin: germline.
Comment: In summary, the available evidence is currently insufficient to determine the role of this variant in disease. Therefore, it has been classified as a Variant of Uncertain Significance. Algorithms developed to predict the effect of missense changes on protein structure and function are either unavailable or do not agree on the potential impact of this missense change (SIFT: "Deleterious"; PolyPhen-2: "Probably Damaging"; Align-GVGD: "Class C0"). This variant has not been reported in the literature in individuals affected with LIG1-related conditions. This variant is present in population databases (rs764106045, gnomAD 0.003%). This sequence change replaces alanine, which is neutral and non-polar, with serine, which is neutral and polar, at codon 847 of the LIG1 protein (p.Ala847Ser).

NM_000234.3(LIG1):c.2539G>T (p.Ala847Ser)

Gene: LIG1 (DNA ligase 1; minus strand). Cytogenetic location: 19q13.33.
Variant type: single nucleotide variant.
Coding change: c.2539G>T on transcript NM_000234.3 (MANE Select); coding-DNA position 2539, G replaced by T.
Protein change: p.Ala847Ser; replaces alanine 847 with serine.
Molecular consequence: missense variant. On other transcripts: non-coding transcript variant (6).
Genome position (GRCh38, 1-based): chr19:48,117,682, C>A on the plus strand (G>T on the coding strand, the complement: LIG1 is on the minus strand). VCF-style: chr19-48117682-C-A. GRCh37 (hg19) VCF-style: chr19-48620939-C-A.
Other names: c.2446G>T, p.Ala816Ser (NM_001289063.2); c.2335G>T, p.Ala779Ser (NM_001289064.2); c.2536G>T, p.Ala846Ser (NM_001320970.2); c.2449G>T, p.Ala817Ser (NM_001320971.2); short protein forms A779S, A816S, A846S, A847S, A817S.
Identifiers: ClinVar variation 1390130 (VCV001390130.6), dbSNP rs764106045, ClinGen allele CA9546374.
Genomic context (GRCh38, chr19:48,117,682, plus strand): 5'-GTCCTCTGCCACTCACCAGGCCCCGCGCAGCAGGGTAGATGGGAGAGAGGGAGAGGTCAG[C>A]GCACTTCACCTCCCACACAGCGCTGGGGTCCAGCCAGTGGTCGGGAATCACAGCGCCATC-3'
Protein context (NP_000225.1, residues 837-857): DPSAVWEVKC[Ala847Ser]DLSLSPIYPA